The following is an entry in ClinVar:

NM_001061.7(TBXAS1):c.1535T>C (p.Leu512Pro)

Gene: TBXAS1 (thromboxane A synthase 1; plus strand). Cytogenetic location: 7q34.
Variant type: single nucleotide variant.
Coding change: c.1535T>C on transcript NM_001061.7 (MANE Select); coding-DNA position 1535, T replaced by C.
Protein change: p.Leu512Pro; replaces leucine 512 with proline.
Molecular consequence: missense variant.
Genome position (GRCh38, 1-based): chr7:140,020,032, T>C. VCF-style: chr7-140020032-T-C. GRCh37 (hg19) VCF-style: chr7-139719832-T-C.
Other names: c.1535T>C, p.Leu512Pro (NM_001130966.5); c.1673T>C, p.Leu558Pro (NM_001166253.4); c.1334T>C, p.Leu445Pro (NM_001166254.4); c.1478T>C, p.Leu493Pro (NM_001314028.4); c.1352T>C, p.Leu451Pro (NM_001366537.3); c.1372T>C, p.Cys458Arg (NM_030984.6); short protein forms C459R, L445P, L512P, L513P, L559P, C458R, L493P, L558P.
Identifiers: ClinVar variation 2454646 (VCV002454646.3), dbSNP rs759354516, ClinGen allele CA4512098.
Genomic context (GRCh38, chr7:140,020,032, plus strand): 5'-ACAGTGAGATGCTACTATCTCTTTGACAAATATTTTAATTTTCTCTATTTTAGGTACCGC[T>C]GCAGCTAGAATCCAAATCTGCCCTAGGTCCAAAAAATGGTGTCTATATCAAGATCGTATC-3'
Protein context (NP_001052.3, residues 502-522): FQACPETQVP[Leu512Pro]QLESKSALGP

ClinVar aggregate classification (germline): Uncertain significance. Review status: criteria provided, multiple submitters, no conflicts (2 of 4 stars). 2 submissions from 2 submitters: Uncertain significance (2). Last evaluated 2025-12-29.

Conditions:
Inborn genetic diseases. Identifiers: MedGen C0950123, MeSH D030342.

Allele frequency attached by ClinVar (database versions not stated): TOPMed 0.00001; ExAC 0.00002; gnomAD 0.00002.
gnomAD v4.1: 85 of 1,613,626 alleles (0.0053%); highest among the groups gnomAD compares: Non-Finnish European, 0.0069%; no homozygotes.

Submissions (2):

Center for Genomic Medicine, Rigshospitalet, Copenhagen University Hospital
Classification: Uncertain significance. Last evaluated: 2025-12-29. Review status: criteria provided, single submitter. Criteria: ACMG Guidelines, 2015. Collection method: clinical testing. Allele origin: germline.
Comment: Classification criteria: PM2_Supporting, PM3, PP3, PP4

Ambry Genetics
Classification: Uncertain significance for Inborn genetic diseases. Last evaluated: 2023-03-14. Review status: criteria provided, single submitter. Criteria: Ambry Variant Classification Scheme 2023. Collection method: clinical testing. Allele origin: germline.